The following is an entry in ClinVar:

NM_033100.4(CDHR1):c.698C>T (p.Thr233Met)

Gene: CDHR1 (cadherin related family member 1; plus strand). Cytogenetic location: 10q23.1.
Variant type: single nucleotide variant.
Coding change: c.698C>T on transcript NM_033100.4 (MANE Select); coding-DNA position 698, C replaced by T.
Protein change: p.Thr233Met; replaces threonine 233 with methionine.
Molecular consequence: missense variant.
Genome position (GRCh38, 1-based): chr10:84,203,038, C>T. VCF-style: chr10-84203038-C-T. GRCh37 (hg19) VCF-style: chr10-85962794-C-T.
Other names: c.698C>T, p.Thr233Met (NM_001171971.3); c.698C>T (NM_033100.2); short protein forms T233M.
Identifiers: ClinVar variation 955484 (VCV000955484.10), dbSNP rs373314306, ClinGen allele CA210380770.

ClinVar aggregate classification (germline): Uncertain significance. Review status: criteria provided, multiple submitters, no conflicts (2 of 4 stars). 4 submissions from 4 submitters: Uncertain significance (4). Last evaluated 2025-09-05.

Conditions:
Cone-rod dystrophy 15 (CORD15). Identifiers: MedGen C3150912, MONDO:0013348, OMIM 613660.
Inborn genetic diseases. Identifiers: MedGen C0950123, MeSH D030342.

Allele frequency attached by ClinVar (database versions not stated): gnomAD exomes 0.00001; TOPMed 0.00004; gnomAD 0.00005; ESP Exome Variant Server 0.00015.
gnomAD v4.1: 15 of 1,614,072 alleles (0.00093%); highest among the groups gnomAD compares: African/African-American, 0.0093%; no homozygotes.

Submissions (4):

Ambry Genetics
Classification: Uncertain significance for Inborn genetic diseases. Last evaluated: 2025-09-05. Review status: criteria provided, single submitter. Criteria: Ambry Variant Classification Scheme 2023. Collection method: clinical testing. Allele origin: germline.

Blueprint Genetics
Classification: Uncertain significance. Last evaluated: 2024-03-08. Review status: criteria provided, single submitter. Criteria: ACMG Guidelines, 2015. Collection method: clinical testing. Allele origin: germline.

Labcorp Genetics (formerly Invitae), Labcorp
Classification: Uncertain significance. Last evaluated: 2022-06-13. Review status: criteria provided, single submitter. Criteria: Invitae Variant Classification Sherloc (09022015). Collection method: clinical testing. Allele origin: germline.
Comment: This sequence change replaces threonine, which is neutral and polar, with methionine, which is neutral and non-polar, at codon 233 of the CDHR1 protein (p.Thr233Met). This variant is present in population databases (rs373314306, gnomAD 0.004%). This variant has not been reported in the literature in individuals affected with CDHR1-related conditions. ClinVar contains an entry for this variant (Variation ID: 955484). Advanced modeling of protein sequence and biophysical properties (such as structural, functional, and spatial information, amino acid conservation, physicochemical variation, residue mobility, and thermodynamic stability) performed at Invitae indicates that this missense variant is not expected to disrupt CDHR1 protein function. In summary, the available evidence is currently insufficient to determine the role of this variant in disease. Therefore, it has been classified as a Variant of Uncertain Significance.

Department of Pathology and Laboratory Medicine, Sinai Health System
Classification: Uncertain significance for Cone-rod dystrophy 15. Last evaluated: 2021-09-03. Review status: criteria provided, single submitter. Criteria: ACMG Guidelines, 2015. Collection method: research. Allele origin: germline.